The following is an entry in ClinVar:

ClinVar aggregate classification (germline): Benign/Likely benign. Review status: criteria provided, multiple submitters, no conflicts (2 of 4 stars). 3 submissions from 3 submitters: Benign (1); Likely benign (1). 1 of the submissions does not count toward it. Last evaluated 2026-01-26.

Conditions:
DMXL2-related disorder. Also called: DMXL2-related condition.

Allele frequency attached by ClinVar (database versions not stated): ESP Exome Variant Server 0.00039; 1000 Genomes Project 30x 0.00047; 1000 Genomes Project 0.00060; ExAC 0.00068; gnomAD exomes 0.00070 and 0.00073; gnomAD 0.00073 and 0.00074; TOPMed 0.00097.
gnomAD v4.1: 1,169 of 1,613,836 alleles (0.072%); highest among the groups gnomAD compares: Admixed American, 0.24%; no homozygotes.

Submissions (3):

Labcorp Genetics (formerly Invitae), Labcorp
Classification: Benign. Last evaluated: 2026-01-26. Review status: criteria provided, single submitter. Criteria: Invitae Variant Classification Sherloc (09022015). Collection method: clinical testing. Allele origin: germline.

Blueprint Genetics
Classification: Likely benign. Last evaluated: 2024-11-14. Review status: criteria provided, single submitter. Criteria: ACMG Guidelines, 2015. Collection method: clinical testing. Allele origin: germline.

PreventionGenetics, part of Exact Sciences
Classification: Likely benign for DMXL2-related condition. Last evaluated: 2019-07-24. Review status: no assertion criteria provided. Collection method: clinical testing. Allele origin: germline. Not counted in ClinVar's aggregate classification.
Comment: This variant is classified as likely benign based on ACMG/AMP sequence variant interpretation guidelines (Richards et al. 2015 PMID: 25741868, with internal and published modifications).

NM_001378457.1(DMXL2):c.6166A>C (p.Arg2056=)

Gene: DMXL2 (Dmx like 2; minus strand). Cytogenetic location: 15q21.2.
Variant type: single nucleotide variant.
Coding change: c.6166A>C on transcript NM_001378457.1 (MANE Select); coding-DNA position 6166, A replaced by C.
Protein change: p.Arg2056=; no amino-acid change (arginine 2056 retained).
Molecular consequence: synonymous variant. On other transcripts: non-coding transcript variant (2).
Genome position (GRCh38, 1-based): chr15:51,480,940, T>G on the plus strand (A>C on the coding strand, the complement: DMXL2 is on the minus strand). VCF-style: chr15-51480940-T-G. GRCh37 (hg19) VCF-style: chr15-51773137-T-G.
Other names: c.6166A>C, p.Arg2056= (NM_001174116.3, NM_001378458.1, NM_001378459.1 and 4 more transcripts); c.4258A>C, p.Arg1420= (NM_001174117.3); c.4147A>C, p.Arg1383= (NM_001378460.1); c.5926A>C, p.Arg1976= (NM_001378464.1).
Identifiers: ClinVar variation 718955 (VCV000718955.13), dbSNP rs150163605, ClinGen allele CA7561681.